The following is an entry in ClinVar:

ClinVar aggregate classification (germline): Conflicting classifications of pathogenicity. Review status: criteria provided, conflicting classifications (1 of 4 stars). 5 submissions from 5 submitters: Pathogenic (1); Likely pathogenic (2); Uncertain significance (1). 1 of the submissions does not count toward it. Last evaluated 2025-04-25.

Conditions:
Ataxia-telangiectasia syndrome (AT). Also called: LOUIS-BAR SYNDROME; Cerebello-oculocutaneous telangiectasia; Immunodeficiency with ataxia telangiectasia; ATAXIA-TELANGIECTASIA, COMPLEMENTATION GROUP A; ATAXIA-TELANGIECTASIA, FRESNO VARIANT; Ataxia-telangiectasia. Identifiers: Orphanet 100, MedGen C0004135, MONDO:0008840, OMIM 208900.
Hereditary cancer-predisposing syndrome. Also called: Neoplastic Syndromes, Hereditary; Hereditary Cancer Syndrome; Tumor predisposition; Hereditary neoplastic syndrome. Identifiers: Orphanet 140162, MedGen C0027672, MeSH D009386, MONDO:0015356.
ATM-related disorder. Also called: ATM-related disorders; ATM-related condition.
Familial cancer of breast. Also called: BREAST CANCER, FAMILIAL; Hereditary breast cancer; hereditary breast carcinoma. Identifiers: Orphanet 227535, MedGen C0346153, MONDO:0016419, OMIM 114480. Disease mechanism: loss of function.

Allele frequency attached by ClinVar (database versions not stated): gnomAD exomes below 0.00001.
gnomAD v4.1: 1 of 1,601,078 alleles (0.000062%); highest among the groups gnomAD compares: Non-Finnish European, 0.000085%; no homozygotes.

Submissions (5):

Ambry Genetics
Classification: Uncertain significance for Hereditary cancer-predisposing syndrome. Last evaluated: 2025-04-25. Review status: criteria provided, single submitter. Criteria: Ambry Variant Classification Scheme 2023. Collection method: clinical testing. Allele origin: germline.
Comment: The c.4237-2A>G intronic variant results from an A to G substitution two nucleotides upstream from coding exon 28 in the ATM gene. This nucleotide position is highly conserved in available vertebrate species. In silico splice site analysis predicts that this alteration will weaken the native splice acceptor site and may result in the creation or strengthening of a novel splice acceptor site. RNA studies have demonstrated that this alteration results in a splice defect; the clinical impact of this abnormal splicing is unknown at this time (Ambry internal data). Since supporting evidence is limited at this time, the clinical significance of this alteration remains unclear.

Labcorp Genetics (formerly Invitae), Labcorp
Classification: Likely pathogenic for Ataxia-telangiectasia syndrome. Last evaluated: 2024-07-19. Review status: criteria provided, single submitter. Criteria: Invitae Variant Classification Sherloc (09022015). Collection method: clinical testing. Allele origin: germline.
Comment: This sequence change affects an acceptor splice site in intron 28 of the ATM gene. It is expected to disrupt RNA splicing. Variants that disrupt the donor or acceptor splice site typically lead to a loss of protein function (PMID: 16199547), and loss-of-function variants in ATM are known to be pathogenic (PMID: 23807571, 25614872). This variant is not present in population databases (gnomAD no frequency). Disruption of this splice site has been observed in individual(s) with early-onset breast cancer (PMID: 12362033). This variant is also known as IVS30−2A>G. ClinVar contains an entry for this variant (Variation ID: 658289). Studies have shown that disruption of this splice site is associated with altered splicing resulting in multiple RNA products (Invitae). In summary, the currently available evidence indicates that the variant is pathogenic, but additional data are needed to prove that conclusively. Therefore, this variant has been classified as Likely Pathogenic.

Baylor Genetics
Classification: Pathogenic for Familial cancer of breast. Last evaluated: 2024-02-11. Review status: criteria provided, single submitter. Criteria: ACMG Guidelines, 2015. Collection method: clinical testing. Allele origin: unknown.

Blueprint Genetics
Classification: Likely pathogenic for ATM-related disorders. Last evaluated: 2021-09-22. Review status: criteria provided, single submitter. Criteria: ACMG Guidelines, 2015. Collection method: clinical testing. Allele origin: germline. Affected: yes. Observed: 1 variant allele.

Natera, Inc.
Classification: Likely pathogenic for Ataxia-telangiectasia. Last evaluated: 2021-07-12. Review status: no assertion criteria provided. Collection method: clinical testing. Allele origin: germline. Not counted in ClinVar's aggregate classification.

Literature cited by the submitters: PubMed 12362033 (cited by Ambry Genetics and Labcorp Genetics (formerly Invitae), Labcorp); PubMed 16199547 (cited by Labcorp Genetics (formerly Invitae), Labcorp); PubMed 23807571 (cited by Labcorp Genetics (formerly Invitae), Labcorp); PubMed 25614872 (cited by Labcorp Genetics (formerly Invitae), Labcorp).

NM_000051.4(ATM):c.4237-2A>G

Gene: ATM (ATM serine/threonine kinase; plus strand). Cytogenetic location: 11q22.3.
Variant type: single nucleotide variant.
Coding change: c.4237-2A>G on transcript NM_000051.4 (MANE Select); the canonical splice acceptor site of the intron before coding-DNA position 4237, A replaced by G.
Molecular consequence: splice acceptor variant.
Genome position (GRCh38, 1-based): chr11:108,289,600, A>G. VCF-style: chr11-108289600-A-G. GRCh37 (hg19) VCF-style: chr11-108160327-A-G.
Other names: c.4237-2A>G (NM_001351834.2).
Identifiers: ClinVar variation 658289 (VCV000658289.20), dbSNP rs1591662492, ClinGen allele CA382530884.